The following is an entry in ClinVar:

NM_005908.4(MANBA):c.1628G>A (p.Trp543Ter)

Gene: MANBA (mannosidase beta; minus strand). Cytogenetic location: 4q24.
Variant type: single nucleotide variant.
Coding change: c.1628G>A on transcript NM_005908.4 (MANE Select); coding-DNA position 1628, G replaced by A.
Protein change: p.Trp543Ter; replaces tryptophan 543 with a stop codon.
Molecular consequence: nonsense.
Genome position (GRCh38, 1-based): chr4:102,657,758, C>T on the plus strand (G>A on the coding strand, the complement: MANBA is on the minus strand). VCF-style: chr4-102657758-C-T. GRCh37 (hg19) VCF-style: chr4-103578915-C-T.
Other names: short protein forms W543*.
Identifiers: ClinVar variation 1457048 (VCV001457048.6), dbSNP rs1309076303, ClinGen allele CA357758583.

ClinVar aggregate classification (germline): Pathogenic (1 of 4 stars; one submission).

Conditions:
Beta-D-mannosidosis (MANSB). Also called: MANNOSIDOSIS, BETA A, LYSOSOMAL; BETA-MANNOSIDASE DEFICIENCY; LYSOSOMAL BETA-MANNOSIDASE DEFICIENCY; Beta-Mannosidosis. Identifiers: Orphanet 118, MedGen C4048196, MONDO:0009562, OMIM 248510.

Allele frequency attached by ClinVar (database versions not stated): gnomAD 0.00001; gnomAD exomes below 0.00001; TOPMed 0.00001.
gnomAD v4.1: 2 of 1,613,780 alleles (0.00012%); highest among the groups gnomAD compares: Non-Finnish European, 0.00017%; no homozygotes.

Submission:

Labcorp Genetics (formerly Invitae), Labcorp
Classification: Pathogenic for Beta-D-mannosidosis. Last evaluated: 2025-03-17. Review status: criteria provided, single submitter. Criteria: Invitae Variant Classification Sherloc (09022015). Collection method: clinical testing. Allele origin: germline.
Comment: This sequence change creates a premature translational stop signal (p.Trp543*) in the MANBA gene. It is expected to result in an absent or disrupted protein product. Loss-of-function variants in MANBA are known to be pathogenic (PMID: 9384606, 12468273). This variant is not present in population databases (gnomAD no frequency). This variant has not been reported in the literature in individuals affected with MANBA-related conditions. ClinVar contains an entry for this variant (Variation ID: 1457048). For these reasons, this variant has been classified as Pathogenic.

Literature cited by the submitters: PubMed 9384606; PubMed 12468273.